The following is an entry in ClinVar:

ClinVar aggregate classification (germline): Conflicting classifications of pathogenicity. Review status: criteria provided, conflicting classifications (1 of 4 stars). 5 submissions from 5 submitters: Uncertain significance (4); Likely benign (1). Last evaluated 2026-02-20.

Conditions:
Coffin-Siris syndrome 5 (CSS5). Identifiers: Orphanet 1465, MedGen C4310788, MONDO:0014838, OMIM 616938.
Hereditary cancer-predisposing syndrome. Also called: Hereditary neoplastic syndrome; Neoplastic Syndromes, Hereditary; Tumor predisposition; Hereditary Cancer Syndrome. Identifiers: Orphanet 140162, MedGen C0027672, MeSH D009386, MONDO:0015356.
Familial meningioma. Also called: Meningioma, familial, susceptibility to. Identifiers: Orphanet 263662, MedGen C3551915, MONDO:0011789, OMIM 607174.

Allele frequency attached by ClinVar (database versions not stated): gnomAD exomes below 0.00001 and 0.00001; ExAC 0.00002; gnomAD 0.00005 and 0.00006; TOPMed 0.00009; ESP Exome Variant Server 0.00023.
gnomAD v4.1: 13 of 1,613,746 alleles (0.00081%); highest among the groups gnomAD compares: African/African-American, 0.016%; no homozygotes.

Submissions (5):

St. Jude Molecular Pathology, St. Jude Children's Research Hospital
Classification: Uncertain significance for Coffin-Siris syndrome 5. Last evaluated: 2026-02-20. Review status: criteria provided, single submitter. Criteria: St. Jude Assertion Criteria 2020. Collection method: clinical testing. Allele origin: germline.
Comment: The SMARCE1 c.1067A>G p.(Asn356Ser) missense change has a maximum subpopulation frequency of 0.016% in gnomAD v2.1.1 (rg). The in silico tool REVEL predicts a benign effect on protein function, but to our knowledge this prediction has not been confirmed by functional studies. To our knowledge, this variant has not been reported in the literature in individuals with SMAR CE1-related disease. In summary, the evidence currently available is insufficient to determine the clinical significance of this variant. It has therefore been classified as of uncertain significance.

Labcorp Genetics (formerly Invitae), Labcorp
Classification: Uncertain significance for Familial meningioma. Last evaluated: 2025-12-29. Review status: criteria provided, single submitter. Criteria: Invitae Variant Classification Sherloc (09022015). Collection method: clinical testing. Allele origin: germline.
Comment: This sequence change replaces asparagine, which is neutral and polar, with serine, which is neutral and polar, at codon 356 of the SMARCE1 protein (p.Asn356Ser). This variant is present in population databases (rs151220618, gnomAD 0.02%). This variant has not been reported in the literature in individuals affected with SMARCE1-related conditions. ClinVar contains an entry for this variant (Variation ID: 532249). Invitae Evidence Modeling of protein sequence and biophysical properties (such as structural, functional, and spatial information, amino acid conservation, physicochemical variation, residue mobility, and thermodynamic stability) indicates that this missense variant is not expected to disrupt SMARCE1 protein function with a negative predictive value of 80%. In summary, the available evidence is currently insufficient to determine the role of this variant in disease. Therefore, it has been classified as a Variant of Uncertain Significance.

GeneDx
Classification: Uncertain significance. Last evaluated: 2024-11-17. Review status: criteria provided, single submitter. Criteria: GeneDx Variant Classification Process June 2021. Collection method: clinical testing. Allele origin: germline. Affected: yes.
Comment: In silico analysis indicates that this missense variant does not alter protein structure/function; Has not been previously published as pathogenic or benign to our knowledge; This variant is associated with the following publications: (PMID: 19245665, 26740555)

Baylor Genetics
Classification: Uncertain significance for Familial meningioma. Last evaluated: 2023-12-29. Review status: criteria provided, single submitter. Criteria: ACMG Guidelines, 2015. Collection method: clinical testing. Allele origin: unknown.

Ambry Genetics
Classification: Likely benign for Hereditary cancer-predisposing syndrome. Last evaluated: 2023-04-12. Review status: criteria provided, single submitter. Criteria: Ambry Variant Classification Scheme 2023. Collection method: clinical testing. Allele origin: germline.

NM_003079.5(SMARCE1):c.1067A>G (p.Asn356Ser)

Gene: SMARCE1 (SWI/SNF related BAF chromatin remodeling complex subunit E1; minus strand). Cytogenetic location: 17q21.2.
Variant type: single nucleotide variant.
Coding change: c.1067A>G on transcript NM_003079.5 (MANE Select); coding-DNA position 1067, A replaced by G.
Protein change: p.Asn356Ser; replaces asparagine 356 with serine.
Molecular consequence: missense variant.
Genome position (GRCh38, 1-based): chr17:40,628,954, T>C on the plus strand (A>G on the coding strand, the complement: SMARCE1 is on the minus strand). VCF-style: chr17-40628954-T-C. GRCh37 (hg19) VCF-style: chr17-38785206-T-C.
Other names: short protein forms N356S.
Identifiers: ClinVar variation 532249 (VCV000532249.15), dbSNP rs151220618, ClinGen allele CA8545071.